The following is an entry in ClinVar:

NM_033159.4(HYAL1):c.103G>A (p.Val35Ile)

Gene: HYAL1 (hyaluronidase 1; minus strand). Cytogenetic location: 3p21.31.
Variant type: single nucleotide variant.
Coding change: c.103G>A on transcript NM_033159.4 (MANE Select); coding-DNA position 103, G replaced by A.
Protein change: p.Val35Ile; replaces valine 35 with isoleucine.
Molecular consequence: missense variant. On other transcripts: non-coding transcript variant (1), intron variant (2).
Genome position (GRCh38, 1-based): chr3:50,302,854, C>T on the plus strand (G>A on the coding strand, the complement: HYAL1 is on the minus strand). VCF-style: chr3-50302854-C-T. GRCh37 (hg19) VCF-style: chr3-50340285-C-T.
Other names: c.103G>A, p.Val35Ile (NM_007312.3, NM_153281.2, NM_153282.3); c.-27+612G>A (NM_153285.3); c.-213-231G>A (NM_153283.3); short protein forms V35I.
Identifiers: ClinVar variation 2081897 (VCV002081897.1), dbSNP rs142667148, ClinGen allele CA2416014.

ClinVar aggregate classification (germline): Uncertain significance (1 of 4 stars; one submission).

Conditions:
Deficiency of hyaluronoglucosaminidase (MPS9). Also called: HYALURONIDASE DEFICIENCY; MPS IX; Mucopolysaccharidosis type 9. Identifiers: Orphanet 67041, MedGen C1291490, MONDO:0011093, OMIM 601492.

Allele frequency attached by ClinVar (database versions not stated): ExAC 0.00004; ESP Exome Variant Server 0.00008.
gnomAD v4.1: 47 of 1,613,796 alleles (0.0029%); highest among the groups gnomAD compares: Middle Eastern, 0.016%; no homozygotes.

Submission:

Labcorp Genetics (formerly Invitae), Labcorp
Classification: Uncertain significance for Deficiency of hyaluronoglucosaminidase. Last evaluated: 2021-09-01. Review status: criteria provided, single submitter. Criteria: Invitae Variant Classification Sherloc (09022015). Collection method: clinical testing. Allele origin: germline.
Comment: This sequence change replaces valine with isoleucine at codon 35 of the HYAL1 protein (p.Val35Ile). The valine residue is moderately conserved and there is a small physicochemical difference between valine and isoleucine. This variant is present in population databases (rs142667148, ExAC 0.01%). This variant has not been reported in the literature in individuals affected with HYAL1-related conditions. Algorithms developed to predict the effect of missense changes on protein structure and function output the following: SIFT: "Tolerated"; PolyPhen-2: "Benign"; Align-GVGD: "Class C0". The isoleucine amino acid residue is found in multiple mammalian species, which suggests that this missense change does not adversely affect protein function. In summary, the available evidence is currently insufficient to determine the role of this variant in disease. Therefore, it has been classified as a Variant of Uncertain Significance.